The following is an entry in ClinVar:

NM_000268.4(NF2):c.145T>A (p.Leu49Met)

Gene: NF2 (NF2, moesin-ezrin-radixin like (MERLIN) tumor suppressor; plus strand). Cytogenetic location: 22q12.2.
Variant type: single nucleotide variant.
Coding change: c.145T>A on transcript NM_000268.4 (MANE Select); coding-DNA position 145, T replaced by A.
Protein change: p.Leu49Met; replaces leucine 49 with methionine.
Molecular consequence: missense variant. On other transcripts: 5 prime UTR variant (2), intron variant (6).
Genome position (GRCh38, 1-based): chr22:29,636,781, T>A. VCF-style: chr22-29636781-T-A. GRCh37 (hg19) VCF-style: chr22-30032770-T-A.
Other names: c.31T>A, p.Leu11Met (NM_001407053.1, NM_001407056.1); c.145T>A, p.Leu49Met (NM_001407054.1, NM_001407057.1, NM_001407058.1 and 9 more transcripts); c.-496T>A (NM_001407065.1); c.-112T>A (NM_001407067.1); c.115-2309T>A (NM_181828.3, NM_001407055.1); c.115-5421T>A (NM_001407063.1, NM_181830.3, NM_001407064.1 and 1 more transcripts); short protein forms L49M, L11M.
Identifiers: ClinVar variation 2912660 (VCV002912660.4), dbSNP rs759129920, ClinGen allele CA031103.

ClinVar aggregate classification (germline): Conflicting classifications of pathogenicity. Review status: criteria provided, conflicting classifications (1 of 4 stars). 2 submissions from 2 submitters: Uncertain significance (1); Likely benign (1). Last evaluated 2025-09-20.

Conditions:
Hereditary cancer-predisposing syndrome. Also called: Hereditary neoplastic syndrome; Neoplastic Syndromes, Hereditary; Tumor predisposition; Hereditary Cancer Syndrome. Identifiers: Orphanet 140162, MedGen C0027672, MeSH D009386, MONDO:0015356.
Neurofibromatosis, type 2 (SWNV). Also called: NF2-Related Schwannomatosis; BILATERAL ACOUSTIC NEUROFIBROMATOSIS; SCHWANNOMATOSIS, VESTIBULAR. Identifiers: Orphanet 637, MedGen C0027832, MONDO:0007039, OMIM 101000. Disease mechanism: loss of function.

Allele frequency attached by ClinVar (database versions not stated): ExAC 0.00001.
gnomAD v4.1: 2 of 1,614,178 alleles (0.00012%); highest among the groups gnomAD compares: South Asian, 0.0011%; no homozygotes.

Submissions (2):

Labcorp Genetics (formerly Invitae), Labcorp
Classification: Uncertain significance for Neurofibromatosis, type 2. Last evaluated: 2025-09-20. Review status: criteria provided, single submitter. Criteria: Invitae Variant Classification Sherloc (09022015). Collection method: clinical testing. Allele origin: germline.
Comment: This sequence change replaces leucine, which is neutral and non-polar, with methionine, which is neutral and non-polar, at codon 49 of the NF2 protein (p.Leu49Met). This variant is present in population databases (rs759129920, gnomAD 0.01%). This variant has not been reported in the literature in individuals affected with NF2-related conditions. ClinVar contains an entry for this variant (Variation ID: 2912660). Invitae Evidence Modeling of protein sequence and biophysical properties (such as structural, functional, and spatial information, amino acid conservation, physicochemical variation, residue mobility, and thermodynamic stability) indicates that this missense variant is not expected to disrupt NF2 protein function with a negative predictive value of 80%. In summary, the available evidence is currently insufficient to determine the role of this variant in disease. Therefore, it has been classified as a Variant of Uncertain Significance.

Ambry Genetics
Classification: Likely benign for Hereditary cancer-predisposing syndrome. Last evaluated: 2024-04-01. Review status: criteria provided, single submitter. Criteria: Ambry Variant Classification Scheme 2023. Collection method: clinical testing. Allele origin: germline.